The following is an entry in ClinVar:

ClinVar aggregate classification (germline): Uncertain significance (1 of 4 stars; one submission).

gnomAD v4.1: 4 of 1,614,078 alleles (0.00025%); highest among the groups gnomAD compares: Admixed American, 0.005%; no homozygotes.

Submission:

Labcorp Genetics (formerly Invitae), Labcorp
Classification: Uncertain significance. Last evaluated: 2025-08-18. Review status: criteria provided, single submitter. Criteria: Invitae Variant Classification Sherloc (09022015). Collection method: clinical testing. Allele origin: germline.
Comment: This sequence change replaces threonine, which is neutral and polar, with isoleucine, which is neutral and non-polar, at codon 483 of the HPS6 protein (p.Thr483Ile). This variant is present in population databases (rs772553227, gnomAD 0.006%). This variant has not been reported in the literature in individuals affected with HPS6-related conditions. Invitae Evidence Modeling of protein sequence and biophysical properties (such as structural, functional, and spatial information, amino acid conservation, physicochemical variation, residue mobility, and thermodynamic stability) indicates that this missense variant is not expected to disrupt HPS6 protein function with a negative predictive value of 80%. In summary, the available evidence is currently insufficient to determine the role of this variant in disease. Therefore, it has been classified as a Variant of Uncertain Significance.

NM_024747.6(HPS6):c.1448C>T (p.Thr483Ile)

Gene: HPS6 (HPS6 biogenesis of lysosomal organelles complex 2 subunit 3; plus strand). Cytogenetic location: 10q24.32.
Variant type: single nucleotide variant.
Coding change: c.1448C>T on transcript NM_024747.6 (MANE Select); coding-DNA position 1448, C replaced by T.
Protein change: p.Thr483Ile; replaces threonine 483 with isoleucine.
Molecular consequence: missense variant.
Genome position (GRCh38, 1-based): chr10:102,066,922, C>T. VCF-style: chr10-102066922-C-T. GRCh37 (hg19) VCF-style: chr10-103826679-C-T.
Other names: short protein forms T483I.
Identifiers: ClinVar variation 4778788 (VCV004778788.1).